The following is an entry in ClinVar:

NM_001199267.2(DGKZ):c.162-889G>T

Gene: DGKZ (diacylglycerol kinase zeta; plus strand). Cytogenetic location: 11p11.2.
Variant type: single nucleotide variant.
Coding change: c.162-889G>T on transcript NM_001199267.2 (MANE Select); 889 bases into the intron before coding-DNA position 162, G replaced by T.
Molecular consequence: intron variant. On other transcripts: missense variant (1).
Genome position (GRCh38, 1-based): chr11:46,366,402, G>T. VCF-style: chr11-46366402-G-T. GRCh37 (hg19) VCF-style: chr11-46387952-G-T.
Other names: c.146G>T, p.Arg49Leu (NM_001105540.2); c.213-889G>T (NM_201532.3); c.177-889G>T (NM_201533.3); c.162-889G>T (NM_001199266.2, NM_003646.4, NM_001199268.2); short protein forms R49L.
Identifiers: ClinVar variation 2811794 (VCV002811794.3), dbSNP rs369703712, ClinGen allele CA380210180.

ClinVar aggregate classification (germline): Uncertain significance (1 of 4 stars; one submission).

Submission:

Labcorp Genetics (formerly Invitae), Labcorp
Classification: Uncertain significance. Last evaluated: 2022-11-15. Review status: criteria provided, single submitter. Criteria: Invitae Variant Classification Sherloc (09022015). Collection method: clinical testing. Allele origin: germline.
Comment: This variant is not present in population databases (gnomAD no frequency). This sequence change replaces arginine, which is basic and polar, with leucine, which is neutral and non-polar, at codon 49 of the DGKZ protein (p.Arg49Leu). This variant has not been reported in the literature in individuals affected with DGKZ-related conditions. Algorithms developed to predict the effect of missense changes on protein structure and function are either unavailable or do not agree on the potential impact of this missense change (SIFT: "Deleterious"; PolyPhen-2: "Benign"; Align-GVGD: "Class C0"). In summary, the available evidence is currently insufficient to determine the role of this variant in disease. Therefore, it has been classified as a Variant of Uncertain Significance.